The following is an entry in ClinVar:

ClinVar aggregate classification (germline): Uncertain significance (1 of 4 stars; one submission).

Conditions:
Pancreatic adenocarcinoma. Identifiers: MedGen C0281361, MONDO:0006047, HP:0006725.

Allele frequency attached by ClinVar (database versions not stated): gnomAD exomes below 0.00001.
gnomAD v4.1: 1 of 1,536,034 alleles (0.000065%); highest among the groups gnomAD compares: Non-Finnish European, 0.000087%; no homozygotes.

Submission:

Labcorp Genetics (formerly Invitae), Labcorp
Classification: Uncertain significance for Pancreatic adenocarcinoma. Last evaluated: 2019-05-29. Review status: criteria provided, single submitter. Criteria: Invitae Variant Classification Sherloc (09022015). Collection method: clinical testing. Allele origin: germline.
Comment: In summary, the available evidence is currently insufficient to determine the role of this variant in disease. Therefore, it has been classified as a Variant of Uncertain Significance. This variant has not been reported in the literature in individuals with PALLD-related conditions. This variant is not present in population databases (ExAC no frequency). This sequence change disrupts the translational stop signal of the PALLD mRNA. It is expected to extend the length of the PALLD protein by 16 additional amino acid residues.

NM_001166108.2(PALLD):c.*203T>A

Genes: CBR4 (carbonyl reductase 4; minus strand), PALLD (palladin, cytoskeletal associated protein; plus strand). Cytogenetic location: 4q32.3.
Variant type: single nucleotide variant.
Coding change: c.*203T>A on transcript NM_001166108.2 (MANE Select); 203 bases downstream of the stop codon, T replaced by A.
Molecular consequence: 3 prime UTR variant. On other transcripts: stop lost (4).
Genome position (GRCh38, 1-based): chr4:168,926,383, T>A. VCF-style: chr4-168926383-T-A. GRCh37 (hg19) VCF-style: chr4-169847534-T-A.
Other names: *778K; *453K; *470K; *673K; c.2332T>A, p.Ter778Lys (NM_001166109.2); c.2017T>A, p.Ter673Lys (NM_001166110.2); c.*203T>A (NM_001367567.1, NM_001367570.1, NM_016081.4); c.1408T>A, p.Ter470Lys (NM_001367568.1); and 1 more.
Identifiers: ClinVar variation 859990 (VCV000859990.9), dbSNP rs1762582426, ClinGen allele CA358716902.